The following is an entry in ClinVar:

NM_001292063.2(OTOG):c.7464C>T (p.Cys2488=)

Gene: OTOG (otogelin; plus strand). Cytogenetic location: 11p15.1.
Variant type: single nucleotide variant.
Coding change: c.7464C>T on transcript NM_001292063.2 (MANE Select); coding-DNA position 7464, C replaced by T.
Protein change: p.Cys2488=; no amino-acid change (cysteine 2488 retained).
Molecular consequence: synonymous variant.
Genome position (GRCh38, 1-based): chr11:17,634,265, C>T. VCF-style: chr11-17634265-C-T. GRCh37 (hg19) VCF-style: chr11-17655812-C-T.
Other names: c.7500C>T, p.Cys2500= (NM_001277269.2).
Identifiers: ClinVar variation 1191941 (VCV001191941.34), dbSNP rs774023506, ClinGen allele CA5906131.
Genomic context (GRCh38, chr11:17,634,265, plus strand): 5'-TGAGAGCTGCCTGCGATTCGGGGAGGTGGCCTTGCTCCTACCCACCAAGGACCCCTGCTG[C>T]CTGGGGACTGTCTGTGGTGAGTGTCCACCTTCACTTCCTTGGACGTCAACTGTAAAACAG-3'
Protein context (NP_001278992.1, residues 2478-2498): ALLLPTKDPC[Cys2488=]LGTVCVCNQT

ClinVar aggregate classification (germline): Likely benign. Review status: criteria provided, multiple submitters, no conflicts (2 of 4 stars). 4 submissions from 4 submitters: Likely benign (4). Last evaluated 2025-09-08.

Conditions:
Autosomal recessive nonsyndromic hearing loss 18B. Also called: Deafness, autosomal recessive 18b. Identifiers: Orphanet 90636, MedGen C3554163, MONDO:0013985, OMIM 614945.

Allele frequency attached by ClinVar (database versions not stated): gnomAD 0.00003; TOPMed 0.00006; gnomAD exomes 0.00008 and 0.00017; ExAC 0.00028.
gnomAD v4.1: 132 of 1,550,306 alleles (0.0085%); highest among the groups gnomAD compares: Middle Eastern, 0.033%; no homozygotes.

Submissions (4):

Labcorp Genetics (formerly Invitae), Labcorp
Classification: Likely benign. Last evaluated: 2025-09-08. Review status: criteria provided, single submitter. Criteria: Invitae Variant Classification Sherloc (09022015). Collection method: clinical testing. Allele origin: germline.

CeGaT Center for Human Genetics Tuebingen
Classification: Likely benign. Last evaluated: 2023-08-01. Review status: criteria provided, single submitter. Criteria: CeGaT Center For Human Genetics Tuebingen Variant Classification Criteria Version 2. Collection method: clinical testing. Allele origin: germline. Affected: yes. Observed: 1 variant allele.
Comment: OTOG: BP4

Fulgent Genetics
Classification: Likely benign for Autosomal recessive nonsyndromic hearing loss 18B. Last evaluated: 2021-08-12. Review status: criteria provided, single submitter. Criteria: ACMG Guidelines, 2015. Collection method: clinical testing. Allele origin: unknown.

GeneDx
Classification: Likely benign. Last evaluated: 2020-05-21. Review status: criteria provided, single submitter. Criteria: GeneDx Variant Classification Process June 2021. Collection method: clinical testing. Allele origin: germline. Affected: yes.